The following is an entry in ClinVar:

ClinVar aggregate classification (germline): Uncertain significance (1 of 4 stars; one submission).

Conditions:
Emery-Dreifuss muscular dystrophy 4, autosomal dominant (EDMD4). Also called: EMERY-DREIFUSS MUSCULAR DYSTROPHY 4 WITH VARIABLE FEATURES. Identifiers: Orphanet 261, MedGen C2751807, MONDO:0013071, OMIM 612998.
Autosomal recessive ataxia, Beauce type. Also called: Spinocerebellar ataxia, autosomal recessive 8; ATAXIA, RECESSIVE, OF BEAUCE; SYNE1 Deficiency; SYNE1-Related Autosomal Recessive Cerebellar Ataxia. Identifiers: Orphanet 88644, MedGen C1853116, MONDO:0012549, OMIM 610743.

Allele frequency attached by ClinVar (database versions not stated): gnomAD exomes below 0.00001; gnomAD 0.00001; TOPMed 0.00001.
gnomAD v4.1: 7 of 1,614,012 alleles (0.00043%); highest among the groups gnomAD compares: Admixed American, 0.0017%; no homozygotes.

Submission:

Labcorp Genetics (formerly Invitae), Labcorp
Classification: Uncertain significance for Emery-Dreifuss muscular dystrophy 4, autosomal dominant; Autosomal recessive ataxia, Beauce type. Last evaluated: 2021-11-26. Review status: criteria provided, single submitter. Criteria: Invitae Variant Classification Sherloc (09022015). Collection method: clinical testing. Allele origin: germline.
Comment: This sequence change replaces glutamic acid, which is acidic and polar, with glutamine, which is neutral and polar, at codon 1336 of the SYNE1 protein (p.Glu1336Gln). This variant is present in population databases (no rsID available, gnomAD 0.0009%). This variant has not been reported in the literature in individuals affected with SYNE1-related conditions. Algorithms developed to predict the effect of missense changes on protein structure and function are either unavailable or do not agree on the potential impact of this missense change (SIFT: "Deleterious"; PolyPhen-2: "Benign"; Align-GVGD: "Class C0"). In summary, the available evidence is currently insufficient to determine the role of this variant in disease. Therefore, it has been classified as a Variant of Uncertain Significance.

NM_182961.4(SYNE1):c.3985G>C (p.Glu1329Gln)

Gene: SYNE1 (spectrin repeat containing nuclear envelope protein 1; minus strand). Cytogenetic location: 6q25.2.
Variant type: single nucleotide variant.
Coding change: c.3985G>C on transcript NM_182961.4 (MANE Select); coding-DNA position 3985, G replaced by C.
Protein change: p.Glu1329Gln; replaces glutamic acid 1329 with glutamine.
Molecular consequence: missense variant.
Genome position (GRCh38, 1-based): chr6:152,442,098, C>G on the plus strand (G>C on the coding strand, the complement: SYNE1 is on the minus strand). VCF-style: chr6-152442098-C-G. GRCh37 (hg19) VCF-style: chr6-152763233-C-G.
Other names: c.4006G>C, p.Glu1336Gln (NM_033071.5); short protein forms E1329Q, E1336Q.
Identifiers: ClinVar variation 1515440 (VCV001515440.6), dbSNP rs985588823, ClinGen allele CA150230005.
Genomic context (GRCh38, chr6:152,442,098, plus strand): 5'-GCCTCTGTTTAAATGGCCCCTAACTTCCGGCTCCTACCTGGATGCGGCGTTCCTGCCTCT[C>G]CCGGCTGCGCTCCAGGCCATCCAGTGTGCTCTCCAGCTTCCGCAGCTCCTCGTGGCCTCG-3'
Protein context (NP_892006.3, residues 1319-1339): STLDGLERSR[Glu1329Gln]RQERRIQVTL